The following is an entry in ClinVar:

NM_001754.5(RUNX1):c.619C>G (p.Arg207Gly)

Gene: RUNX1 (RUNX family transcription factor 1; minus strand). Cytogenetic location: 21q22.12.
Variant type: single nucleotide variant.
Coding change: c.619C>G on transcript NM_001754.5 (MANE Select); coding-DNA position 619, C replaced by G.
Protein change: p.Arg207Gly; replaces arginine 207 with glycine.
Molecular consequence: missense variant.
Genome position (GRCh38, 1-based): chr21:34,834,596, G>C on the plus strand (C>G on the coding strand, the complement: RUNX1 is on the minus strand). VCF-style: chr21-34834596-G-C. GRCh37 (hg19) VCF-style: chr21-36206893-G-C.
Other names: NM_001754.5(RUNX1):c.619C>G; p.Arg207Gly; c.538C>G, p.Arg180Gly (NM_001001890.3, NM_001122607.2); short protein forms R180G, R207G.
Identifiers: ClinVar variation 2435493 (VCV002435493.5), dbSNP rs1555890007, ClinGen allele CA410207205.

ClinVar aggregate classification (germline): Uncertain significance. Review status: reviewed by expert panel (3 of 4 stars). 3 submissions from 3 submitters: Uncertain significance (1). 2 of the submissions do not count toward it. Last evaluated 2024-07-11.

Conditions:
Hereditary thrombocytopenia and hematologic cancer predisposition syndrome. Identifiers: Orphanet 71290, MedGen CN281654, MONDO:0011071.
Inborn genetic diseases. Identifiers: MedGen C0950123, MeSH D030342.

Submissions (3):

ClinGen Myeloid Malignancy Variant Curation Expert Panel
Classification: Uncertain significance for Hereditary thrombocytopenia and hematologic cancer predisposition syndrome. Last evaluated: 2024-07-11. Review status: reviewed by expert panel. Criteria: ClinGen MyeloMalig ACMG Specifications v2. Collection method: curation. Allele origin: germline. Inheritance: Autosomal dominant inheritance.
Comment: NM_001754.5(RUNX1): c.619C>G (p.Arg207Gly) is a missense variant which is completely absent from all population databases with at least 20x coverage for RUNX1 (PM2_Supporting). In summary, the clinical significance of this variant is uncertain. ACMG/AMP criteria applied, as specified by the Myeloid Malignancy Variant Curation Expert Panel for RUNX1: PM2_supporting.

Ambry Genetics
Classification: Uncertain significance for Inborn genetic diseases. Last evaluated: 2025-07-07. Review status: criteria provided, single submitter. Criteria: Ambry Variant Classification Scheme 2023. Collection method: clinical testing. Allele origin: germline. Not counted in ClinVar's aggregate classification.
Comment: The p.R207G variant (also known as c.619C>G), located in coding exon 6 of the RUNX1 gene, results from a C to G substitution at nucleotide position 619. The arginine at codon 207 is replaced by glycine, an amino acid with dissimilar properties. This amino acid position is well conserved in available vertebrate species. In addition, this alteration is predicted to be deleterious by in silico analysis. Based on the available evidence, the clinical significance of this variant remains unclear.

Revvity Omics, Revvity
Classification: Uncertain significance. Last evaluated: 2019-07-23. Review status: criteria provided, single submitter. Criteria: ACMG Guidelines, 2015. Collection method: clinical testing. Allele origin: germline. Not counted in ClinVar's aggregate classification.